The following is an entry in ClinVar:

NM_001903.5(CTNNA1):c.1264G>A (p.Val422Ile)

Gene: CTNNA1 (catenin alpha 1; plus strand). Cytogenetic location: 5q31.2.
Variant type: single nucleotide variant.
Coding change: c.1264G>A on transcript NM_001903.5 (MANE Select); coding-DNA position 1264, G replaced by A.
Protein change: p.Val422Ile; replaces valine 422 with isoleucine.
Molecular consequence: missense variant. On other transcripts: 5 prime UTR variant (5), intron variant (2).
Genome position (GRCh38, 1-based): chr5:138,887,610, G>A. VCF-style: chr5-138887610-G-A. GRCh37 (hg19) VCF-style: chr5-138223299-G-A.
Other names: c.154G>A, p.Val52Ile (NM_001323987.1, NM_001323988.1, NM_001323989.1 and 18 more transcripts); c.1264G>A, p.Val422Ile (NM_001290307.3, NM_001323982.2, NM_001323983.1 and 3 more transcripts); c.955G>A, p.Val319Ile (NM_001290309.3); c.895G>A, p.Val299Ile (NM_001290310.3); c.-244G>A (NM_001324006.1, NM_001324007.1, NM_001324008.1 and 1 more transcripts); c.-119G>A (NM_001324013.1); c.-58+12013G>A (NM_001324012.1); c.-61+12013G>A (NM_001324010.1); short protein forms V299I, V422I, V52I, V319I.
Identifiers: ClinVar variation 2812126 (VCV002812126.3), dbSNP rs2150032915, ClinGen allele CA361133204.
Genomic context (GRCh38, chr5:138,887,610, plus strand): 5'-TTGGTATTGATTGAAGCTGCAAAGAATGGAAATGAGAAAGAAGTTAAGGAGTATGCCCAA[G>A]TTTTCCGTGAACATGCCAACAAATTGATTGAGGTAAGTGAATTAGCAGTTTCATTGACTT-3'
Protein context (NP_001894.2, residues 412-432): NEKEVKEYAQ[Val422Ile]FREHANKLIE

ClinVar aggregate classification (germline): Uncertain significance (1 of 4 stars; one submission).

Submission:

Labcorp Genetics (formerly Invitae), Labcorp
Classification: Uncertain significance. Last evaluated: 2022-11-04. Review status: criteria provided, single submitter. Criteria: Invitae Variant Classification Sherloc (09022015). Collection method: clinical testing. Allele origin: germline.
Comment: This sequence change replaces valine, which is neutral and non-polar, with isoleucine, which is neutral and non-polar, at codon 422 of the CTNNA1 protein (p.Val422Ile). This variant is not present in population databases (gnomAD no frequency). This variant has not been reported in the literature in individuals affected with CTNNA1-related conditions. Algorithms developed to predict the effect of missense changes on protein structure and function are either unavailable or do not agree on the potential impact of this missense change (SIFT: "Deleterious"; PolyPhen-2: "Benign"; Align-GVGD: "Class C0"). In summary, the available evidence is currently insufficient to determine the role of this variant in disease. Therefore, it has been classified as a Variant of Uncertain Significance.